The following is an entry in ClinVar:

ClinVar aggregate classification (germline): Benign/Likely benign. Review status: criteria provided, multiple submitters, no conflicts (2 of 4 stars). 5 submissions from 5 submitters: Benign (3); Likely benign (2). Last evaluated 2026-02-01.

Conditions:
Nephronophthisis. Also called: Juvenile Nephronophthisis. Identifiers: Orphanet 655, MedGen C0687120, MONDO:0019005, HP:0000090.

Submissions (5):

Labcorp Genetics (formerly Invitae), Labcorp
Classification: Benign for Nephronophthisis. Last evaluated: 2026-02-01. Review status: criteria provided, single submitter. Criteria: Invitae Variant Classification Sherloc (09022015). Collection method: clinical testing. Allele origin: germline.

Mayo Clinic Laboratories, Mayo Clinic
Classification: Likely benign. Last evaluated: 2025-11-11. Review status: criteria provided, single submitter. Criteria: ACMG Guidelines, 2015. Collection method: clinical testing. Allele origin: germline. Observed: 3 variant alleles.
Comment: BS1, BP7

Blueprint Genetics
Classification: Likely benign. Last evaluated: 2024-11-18. Review status: criteria provided, single submitter. Criteria: ACMG Guidelines, 2015. Collection method: clinical testing. Allele origin: germline.

GeneDx
Classification: Benign. Last evaluated: 2020-05-20. Review status: criteria provided, single submitter. Criteria: GeneDx Variant Classification Process June 2021. Collection method: clinical testing. Allele origin: germline. Affected: yes.

Eurofins Ntd Llc (ga)
Classification: Benign. Last evaluated: 2015-05-22. Review status: criteria provided, single submitter. Criteria: EGL Classification Definitions 2015. Collection method: clinical testing. Allele origin: germline. Observed: 4 variant alleles, 4 heterozygotes.

NM_153240.5(NPHP3):c.3126-4del

Genes: NPHP3 (nephrocystin 3; minus strand), NPHP3-ACAD11 (NPHP3-ACAD11 readthrough (NMD candidate); minus strand). Cytogenetic location: 3q22.1.
Variant type: Deletion.
Coding change: c.3126-4del on transcript NM_153240.5 (MANE Select); 4 bases into the intron before coding-DNA position 3126, one base deleted (T; older notation c.3126-4delT).
Molecular consequence: intron variant.
Genome position (GRCh38, 1-based): chr3:132,687,230, A deleted on the plus strand (T on the coding strand, the reverse complement: NPHP3 is on the minus strand); the first of 9 consecutive A bases (chr3:132,687,230-132,687,238); deleting any one gives the same sequence. VCF-style (leftmost placement, unchanged base first): chr3-132687229-TA-T. GRCh37 (hg19) VCF-style: chr3-132406073-TA-T.
Other names: p.?; c.3126-4delT (NM_153240.4).
Identifiers: ClinVar variation 96515 (VCV000096515.19), dbSNP rs398124547, ClinGen allele CA149574.